The following is an entry in ClinVar:

ClinVar aggregate classification (germline): Uncertain significance (1 of 4 stars; one submission).

Allele frequency attached by ClinVar (database versions not stated): gnomAD 0.00001.
gnomAD v4.1: 11 of 1,614,042 alleles (0.00068%); highest among the groups gnomAD compares: Admixed American, 0.005%; no homozygotes.

Submission:

Labcorp Genetics (formerly Invitae), Labcorp
Classification: Uncertain significance. Last evaluated: 2022-06-30. Review status: criteria provided, single submitter. Criteria: Invitae Variant Classification Sherloc (09022015). Collection method: clinical testing. Allele origin: germline.
Comment: This sequence change replaces alanine, which is neutral and non-polar, with valine, which is neutral and non-polar, at codon 857 of the SH3PXD2B protein (p.Ala857Val). This variant is present in population databases (no rsID available, gnomAD 0.009%). This variant has not been reported in the literature in individuals affected with SH3PXD2B-related conditions. Algorithms developed to predict the effect of missense changes on protein structure and function (SIFT, PolyPhen-2, Align-GVGD) all suggest that this variant is likely to be disruptive. In summary, the available evidence is currently insufficient to determine the role of this variant in disease. Therefore, it has been classified as a Variant of Uncertain Significance.

NM_001017995.3(SH3PXD2B):c.2570C>T (p.Ala857Val)

Gene: SH3PXD2B (SH3 and PX domains 2B; minus strand). Cytogenetic location: 5q35.1.
Variant type: single nucleotide variant.
Coding change: c.2570C>T on transcript NM_001017995.3 (MANE Select); coding-DNA position 2570, C replaced by T.
Protein change: p.Ala857Val; replaces alanine 857 with valine.
Molecular consequence: missense variant. On other transcripts: intron variant (1).
Genome position (GRCh38, 1-based): chr5:172,338,535, G>A on the plus strand (C>T on the coding strand, the complement: SH3PXD2B is on the minus strand). VCF-style: chr5-172338535-G-A. GRCh37 (hg19) VCF-style: chr5-171765539-G-A.
Other names: c.1188+7601C>T (NM_001308175.2); short protein forms A857V.
Identifiers: ClinVar variation 1940848 (VCV001940848.2), dbSNP rs1317918408, ClinGen allele CA362145163.